The following is an entry in ClinVar:

ClinVar aggregate classification (germline): Likely pathogenic (1 of 4 stars; one submission).

Conditions:
Low phospholipid associated cholelithiasis (GBD1). Also called: Gallstone cholecystitis; Gallbladder disease 1. Identifiers: Orphanet 69663, MedGen C2609268, MONDO:0010939, OMIM 600803.

Submission:

3billion
Classification: Likely pathogenic for Low phospholipid associated cholelithiasis. Last evaluated: 2025-06-27. Review status: criteria provided, single submitter. Criteria: ACMG Guidelines, 2015. Collection method: clinical testing. Allele origin: germline. Affected: yes.
Comment: The variant is not observed in the gnomAD v4.1.0 dataset. Predicted Consequence/Location: Canonical splice site: predicted to alter splicing and result in a loss or disruption of normal protein function. Multiple pathogenic loss-of-function variants are reported downstream of the variant. In silico tools predict the variant to alter splicing and produce an abnormal transcript [SpliceAI: 0.99 (spliceogenicity >=0.2, non-spliceogenicity <0.1)]. Therefore, this variant is classified as Likely pathogenic according to the recommendation of ACMG/AMP guideline.

NM_000443.4(ABCB4):c.1231-1G>A

Gene: ABCB4 (ATP binding cassette subfamily B member 4; minus strand). Cytogenetic location: 7q21.12.
Variant type: single nucleotide variant.
Coding change: c.1231-1G>A on transcript NM_000443.4 (MANE Select); the canonical splice acceptor site of the intron before coding-DNA position 1231, G replaced by A.
Molecular consequence: splice acceptor variant.
Genome position (GRCh38, 1-based): chr7:87,443,445, C>T on the plus strand (G>A on the coding strand, the complement: ABCB4 is on the minus strand). VCF-style: chr7-87443445-C-T. GRCh37 (hg19) VCF-style: chr7-87072761-C-T.
Other names: c.1231-1G>A (NM_018850.3, NM_018849.3).
Identifiers: ClinVar variation 4854953 (VCV004854953.1).
Genomic context (GRCh38, chr7:87,443,445, plus strand): 5'-ACTTCCAACCAGGGCCACCGTCTGCCCACTCTGCACCTTCAGGTTGAGGCCCTTCAAGAT[C>T]TGTAAGGAAAATGAGAAAAAAGAACACACTTCACAACAAAGCCCTAAAATGGGAATAATT-3'